The following is an entry in ClinVar:

NM_080680.3(COL11A2):c.517C>T (p.Arg173Trp)

Gene: COL11A2 (collagen type XI alpha 2 chain; minus strand). Cytogenetic location: 6p21.32.
Variant type: single nucleotide variant.
Coding change: c.517C>T on transcript NM_080680.3 (MANE Select); coding-DNA position 517, C replaced by T.
Protein change: p.Arg173Trp; replaces arginine 173 with tryptophan.
Molecular consequence: missense variant.
Genome position (GRCh38, 1-based): chr6:33,188,451, G>A on the plus strand (C>T on the coding strand, the complement: COL11A2 is on the minus strand). VCF-style: chr6-33188451-G-A. GRCh37 (hg19) VCF-style: chr6-33156228-G-A.
Other names: c.517C>T, p.Arg173Trp (NM_001163771.2, NM_080679.3, NM_080681.3); short protein forms R173W.
Identifiers: ClinVar variation 228538 (VCV000228538.19), dbSNP rs146522169, ClinGen allele CA3751646.

ClinVar aggregate classification (germline): Conflicting classifications of pathogenicity. Review status: criteria provided, conflicting classifications (1 of 4 stars). 5 submissions from 5 submitters: Uncertain significance (4); Likely benign (1). Last evaluated 2026-01-18.

Allele frequency attached by ClinVar (database versions not stated): ESP Exome Variant Server 0.00024; gnomAD 0.00051; TOPMed 0.00071; 1000 Genomes Project 30x 0.00078; 1000 Genomes Project 0.00080.
gnomAD v4.1: 182 of 1,612,982 alleles (0.011%); highest among the groups gnomAD compares: African/African-American, 0.13%; no homozygotes.

Submissions (5):

Labcorp Genetics (formerly Invitae), Labcorp
Classification: Likely benign. Last evaluated: 2026-01-18. Review status: criteria provided, single submitter. Criteria: Invitae Variant Classification Sherloc (09022015). Collection method: clinical testing. Allele origin: germline.

GeneDx
Classification: Uncertain significance. Last evaluated: 2025-10-17. Review status: criteria provided, single submitter. Criteria: GeneDx Variant Classification Process June 2021. Collection method: clinical testing. Allele origin: germline. Affected: yes.
Comment: Has been reported in an individual with sensorineural hearing loss who also harbored variants in other genes (PMID: 34515852); In silico analysis supports that this missense variant has a deleterious effect on protein structure/function; This variant is associated with the following publications: (PMID: 40069133, 34515852)

Blueprint Genetics
Classification: Uncertain significance. Last evaluated: 2024-07-16. Review status: criteria provided, single submitter. Criteria: ACMG Guidelines, 2015. Collection method: clinical testing. Allele origin: germline.

Athena Diagnostics
Classification: Uncertain significance. Last evaluated: 2018-08-10. Review status: criteria provided, single submitter. Criteria: Athena Diagnostics Criteria. Collection method: clinical testing. Allele origin: germline.

Laboratory for Molecular Medicine, Mass General Brigham Personalized Medicine
Classification: Uncertain significance. Last evaluated: 2015-10-04. Review status: criteria provided, single submitter. Criteria: LMM Criteria. Collection method: clinical testing. Allele origin: germline. Observed: 1 variant allele.
Comment: The p.Arg173Trp variant in COL11A2 has not been previously reported in individua ls with hearing loss, but has been identified in 0.14% (13/9144) of African chro mosomes by the Exome Aggregation Consortium (ExAC, g; dbSNP rs146522169). Although this variant has been seen in the general popula tion, its frequency is not high enough to rule out a pathogenic role. Computatio nal prediction tools and conservation analysis suggest that this variant may imp act the protein, though this information is not predictive enough to determine p athogenicity. In summary, the clinical significance of the p.Arg173Trp variant i s uncertain.